The following is an entry in ClinVar:

NM_006379.5(SEMA3C):c.317A>T (p.Lys106Ile)

Gene: SEMA3C (semaphorin 3C; minus strand). Cytogenetic location: 7q21.11.
Variant type: single nucleotide variant.
Coding change: c.317A>T on transcript NM_006379.5 (MANE Select); coding-DNA position 317, A replaced by T.
Protein change: p.Lys106Ile; replaces lysine 106 with isoleucine.
Molecular consequence: missense variant.
Genome position (GRCh38, 1-based): chr7:80,827,435, T>A on the plus strand (A>T on the coding strand, the complement: SEMA3C is on the minus strand). VCF-style: chr7-80827435-T-A. GRCh37 (hg19) VCF-style: chr7-80456751-T-A.
Other names: c.371A>T, p.Lys124Ile (NM_001350120.2); c.143A>T, p.Lys48Ile (NM_001350121.2); short protein forms K124I, K48I, K106I.
Identifiers: ClinVar variation 5000153 (VCV005000153.1).

ClinVar aggregate classification (germline): Uncertain significance (1 of 4 stars; one submission).

Conditions:
SEMA3C-related disorder. Also called: SEMA3C-related condition.

gnomAD v4.1: 3 of 1,589,826 alleles (0.00019%); highest among the groups gnomAD compares: African/African-American, 0.0041%; no homozygotes.

Submission:

PreventionGenetics, part of Exact Sciences
Classification: Uncertain significance for SEMA3C-related condition. Last evaluated: 2025-05-01. Review status: criteria provided, single submitter. Criteria: ACMG Guidelines, 2015. Collection method: clinical testing. Allele origin: germline.
Comment: The SEMA3C c.371A>T variant is predicted to result in the amino acid substitution p.Lys124Ile. To our knowledge, this variant has not been reported in the literature. This variant is reported in 0.0066% of alleles in individuals of African descent in gnomAD. At this time, the clinical significance of this variant is uncertain due to the absence of conclusive functional and genetic evidence.